The following is an entry in ClinVar:

NM_002471.4(MYH6):c.1616G>A (p.Cys539Tyr)

Gene: MYH6 (myosin heavy chain 6; minus strand). Cytogenetic location: 14q11.2.
Variant type: single nucleotide variant.
Coding change: c.1616G>A on transcript NM_002471.4 (MANE Select); coding-DNA position 1616, G replaced by A.
Protein change: p.Cys539Tyr; replaces cysteine 539 with tyrosine.
Molecular consequence: missense variant.
Genome position (GRCh38, 1-based): chr14:23,399,003, C>T on the plus strand (G>A on the coding strand, the complement: MYH6 is on the minus strand). VCF-style: chr14-23399003-C-T. GRCh37 (hg19) VCF-style: chr14-23868212-C-T.
Other names: short protein forms C539Y.
Identifiers: ClinVar variation 1007840 (VCV001007840.8), dbSNP rs750051592, ClinGen allele CA7115736.

ClinVar aggregate classification (germline): Uncertain significance (1 of 4 stars; one submission).

Conditions:
Hypertrophic cardiomyopathy 14. Identifiers: MedGen C2750467, MONDO:0013197, OMIM 613251.

Allele frequency attached by ClinVar (database versions not stated): gnomAD exomes below 0.00001; ExAC 0.00001.
gnomAD v4.1: 1 of 1,614,114 alleles (0.000062%); highest among the groups gnomAD compares: South Asian, 0.0011%; no homozygotes.

Submission:

Labcorp Genetics (formerly Invitae), Labcorp
Classification: Uncertain significance for Hypertrophic cardiomyopathy 14. Last evaluated: 2020-07-16. Review status: criteria provided, single submitter. Criteria: Invitae Variant Classification Sherloc (09022015). Collection method: clinical testing. Allele origin: germline.
Comment: This variant is present in population databases (rs750051592, ExAC 0.006%). In summary, the available evidence is currently insufficient to determine the role of this variant in disease. Therefore, it has been classified as a Variant of Uncertain Significance. Algorithms developed to predict the effect of missense changes on protein structure and function are either unavailable or do not agree on the potential impact of this missense change (SIFT: "Deleterious"; PolyPhen-2: "Probably Damaging"; Align-GVGD: "Class C0"). This variant has not been reported in the literature in individuals with MYH6-related conditions. This sequence change replaces cysteine with tyrosine at codon 539 of the MYH6 protein (p.Cys539Tyr). The cysteine residue is weakly conserved and there is a large physicochemical difference between cysteine and tyrosine.